The following is an entry in ClinVar:

ClinVar aggregate classification (germline): Uncertain significance (1 of 4 stars; one submission).

Conditions:
Mucopolysaccharidosis, MPS-III-B (MPS3B). Also called: N-ACETYL-ALPHA-D-GLUCOSAMINIDASE DEFICIENCY; NAGLU DEFICIENCY; SANFILIPPO SYNDROME B; MPS III B; MPS IIIB (Sanfilippo Syndrome Type B); MUCOPOLYSACCHARIDOSIS, TYPE IIIB. Identifiers: Orphanet 79270, MedGen C0086648, MONDO:0009656, OMIM 252920.
Charcot-Marie-Tooth disease axonal type 2V. Also called: CHARCOT-MARIE-TOOTH NEUROPATHY, TYPE 2V; CHARCOT-MARIE-TOOTH DISEASE, AXONAL, AUTOSOMAL DOMINANT, TYPE 2V. Identifiers: Orphanet 447964, MedGen C5569050, MONDO:0014665, OMIM 616491.

Allele frequency attached by ClinVar (database versions not stated): gnomAD exomes below 0.00001; TOPMed 0.00001.
gnomAD v4.1: 2 of 1,611,192 alleles (0.00012%); highest among the groups gnomAD compares: Non-Finnish European, 0.00017%; no homozygotes.

Submission:

Labcorp Genetics (formerly Invitae), Labcorp
Classification: Uncertain significance for Charcot-Marie-Tooth disease axonal type 2V; Mucopolysaccharidosis, MPS-III-B. Last evaluated: 2022-08-16. Review status: criteria provided, single submitter. Criteria: Invitae Variant Classification Sherloc (09022015). Collection method: clinical testing. Allele origin: germline.
Comment: This sequence change replaces threonine, which is neutral and polar, with isoleucine, which is neutral and non-polar, at codon 672 of the NAGLU protein (p.Thr672Ile). This variant is not present in population databases (gnomAD no frequency). This variant has not been reported in the literature in individuals affected with NAGLU-related conditions. ClinVar contains an entry for this variant (Variation ID: 1445752). Advanced modeling of protein sequence and biophysical properties (such as structural, functional, and spatial information, amino acid conservation, physicochemical variation, residue mobility, and thermodynamic stability) performed at Invitae indicates that this missense variant is not expected to disrupt NAGLU protein function. In summary, the available evidence is currently insufficient to determine the role of this variant in disease. Therefore, it has been classified as a Variant of Uncertain Significance.

NM_000263.4(NAGLU):c.2015C>T (p.Thr672Ile)

Gene: NAGLU (N-acetyl-alpha-glucosaminidase; plus strand). Cytogenetic location: 17q21.2.
Variant type: single nucleotide variant.
Coding change: c.2015C>T on transcript NM_000263.4 (MANE Select); coding-DNA position 2015, C replaced by T.
Protein change: p.Thr672Ile; replaces threonine 672 with isoleucine.
Molecular consequence: missense variant.
Genome position (GRCh38, 1-based): chr17:42,544,021, C>T. VCF-style: chr17-42544021-C-T. GRCh37 (hg19) VCF-style: chr17-40696039-C-T.
Other names: short protein forms T672I.
Identifiers: ClinVar variation 1445752 (VCV001445752.3), dbSNP rs1358789110, ClinGen allele CA399605875.